The following is an entry in ClinVar:

NM_020166.5(MCCC1):c.369+2T>C

Gene: MCCC1 (methylcrotonyl-CoA carboxylase subunit 1; minus strand). Cytogenetic location: 3q27.1.
Variant type: single nucleotide variant.
Coding change: c.369+2T>C on transcript NM_020166.5 (MANE Select); the canonical splice donor site of the intron after coding-DNA position 369, T replaced by C.
Molecular consequence: splice donor variant.
Genome position (GRCh38, 1-based): chr3:183,086,691, A>G on the plus strand (T>C on the coding strand, the complement: MCCC1 is on the minus strand). VCF-style: chr3-183086691-A-G. GRCh37 (hg19) VCF-style: chr3-182804479-A-G.
Other names: c.42+2T>C (NM_001363880.1); c.140+2T>C (NM_001293273.2).
Identifiers: ClinVar variation 1895825 (VCV001895825.6), dbSNP rs2530461749, ClinGen allele CA355319130.

ClinVar aggregate classification (germline): Likely pathogenic (1 of 4 stars; one submission).

Conditions:
3-methylcrotonyl-CoA carboxylase 1 deficiency (MCC1D). Also called: MCCD TYPE 1; METHYLCROTONYLGLYCINURIA TYPE I; MCC 1 deficiency; 3 Alpha methylcrotonylglycinuria 1. Identifiers: Orphanet 6, MedGen CN028786, MONDO:0008861, OMIM 210200.

Submissions (2):

Labcorp Genetics (formerly Invitae), Labcorp
Classification: Likely pathogenic for 3-methylcrotonyl-CoA carboxylase 1 deficiency. Last evaluated: 2022-04-30. Review status: criteria provided, single submitter. Criteria: Invitae Variant Classification Sherloc (09022015). Collection method: clinical testing. Allele origin: germline.
Comment: In summary, the currently available evidence indicates that the variant is pathogenic, but additional data are needed to prove that conclusively. Therefore, this variant has been classified as Likely Pathogenic. Algorithms developed to predict the effect of sequence changes on RNA splicing suggest that this variant may disrupt the consensus splice site. This variant has not been reported in the literature in individuals affected with MCCC1-related conditions. This variant is not present in population databases (gnomAD no frequency). This sequence change affects a donor splice site in intron 4 of the MCCC1 gene. It is expected to disrupt RNA splicing. Variants that disrupt the donor or acceptor splice site typically lead to a loss of protein function (PMID: 16199547), and loss-of-function variants in MCCC1 are known to be pathogenic (PMID: 11181649, 15359379, 22642865).

Dr. Peter K. Rogan Lab, Western University
No classification provided (evidence only). Condition: Nonpapillary renal cell carcinoma. Review status: no classification provided. Collection method: in vitro. Allele origin: not applicable. Functional consequence: retained intron. Not counted in ClinVar's aggregate classification.

Literature cited by the submitters: PubMed 16199547 (cited by Labcorp Genetics (formerly Invitae), Labcorp); PubMed 11181649 (cited by Labcorp Genetics (formerly Invitae), Labcorp); PubMed 15359379 (cited by Labcorp Genetics (formerly Invitae), Labcorp); PubMed 22642865 (cited by Labcorp Genetics (formerly Invitae), Labcorp).